The following is an entry in ClinVar:

ClinVar aggregate classification (germline): Uncertain significance (1 of 4 stars; one submission).

Conditions:
Inborn genetic diseases. Identifiers: MedGen C0950123, MeSH D030342.

Submission:

Ambry Genetics
Classification: Uncertain significance for Inborn genetic diseases. Last evaluated: 2024-02-04. Review status: criteria provided, single submitter. Criteria: Ambry Variant Classification Scheme 2023. Collection method: clinical testing. Allele origin: germline.
Comment: The p.K157Q variant (also known as c.469A>C), located in coding exon 5 of the EPAS1 gene, results from an A to C substitution at nucleotide position 469. The lysine at codon 157 is replaced by glutamine, an amino acid with similar properties. This amino acid position is conserved. In addition, this alteration is predicted to be tolerated by in silico analysis. Based on the available evidence, the clinical significance of this alteration remains unclear.

NM_001430.5(EPAS1):c.469A>C (p.Lys157Gln)

Genes: EPAS1 (endothelial PAS domain protein 1; plus strand), LOC126806210 (BRD4-independent group 4 enhancer GRCh37_chr2:46587586-46588785; plus strand). Cytogenetic location: 2p21.
Variant type: single nucleotide variant.
Coding change: c.469A>C on transcript NM_001430.5 (MANE Select); coding-DNA position 469, A replaced by C.
Protein change: p.Lys157Gln; replaces lysine 157 with glutamine.
Molecular consequence: missense variant.
Genome position (GRCh38, 1-based): chr2:46,360,652, A>C. VCF-style: chr2-46360652-A-C. GRCh37 (hg19) VCF-style: chr2-46587791-A-C.
Other names: short protein forms K157Q.
Identifiers: ClinVar variation 3221656 (VCV003221656.1), dbSNP rs1170479651, ClinGen allele CA346698933.